The following is an entry in ClinVar:

NM_205836.3(FBXO38):c.679A>C (p.Lys227Gln)

Gene: FBXO38 (F-box protein 38; plus strand). Cytogenetic location: 5q32.
Variant type: single nucleotide variant.
Coding change: c.679A>C on transcript NM_205836.3 (MANE Select); coding-DNA position 679, A replaced by C.
Protein change: p.Lys227Gln; replaces lysine 227 with glutamine.
Molecular consequence: missense variant.
Genome position (GRCh38, 1-based): chr5:148,404,771, A>C. VCF-style: chr5-148404771-A-C. GRCh37 (hg19) VCF-style: chr5-147784334-A-C.
Other names: c.679A>C, p.Lys227Gln (NM_001271723.2, NM_030793.5); short protein forms K227Q.
Identifiers: ClinVar variation 665063 (VCV000665063.1), dbSNP rs1581241597, ClinGen allele CA361655979.

ClinVar aggregate classification (germline): Uncertain significance (1 of 4 stars; one submission).

Conditions:
Neuronopathy, distal hereditary motor, type 2D. Also called: HMN IID; SPINAL MUSCULAR ATROPHY, DISTAL, AUTOSOMAL DOMINANT, CALF-PREDOMINANT; NEURONOPATHY, DISTAL HEREDITARY MOTOR, AUTOSOMAL DOMINANT 6; NEURONOPATHY, DISTAL HEREDITARY MOTOR, HARDING TYPE IID; NEUROPATHY, DISTAL HEREDITARY MOTOR, HARDING TYPE IID. Identifiers: Orphanet 139525, MedGen C3888271, MONDO:0014259, OMIM 615575.

gnomAD v4.1: 1 of 1,608,662 alleles (0.000062%); no homozygotes.

Submission:

Labcorp Genetics (formerly Invitae), Labcorp
Classification: Uncertain significance for Distal hereditary motor neuropathy type 2. Last evaluated: 2018-12-03. Review status: criteria provided, single submitter. Criteria: Invitae Variant Classification Sherloc (09022015). Collection method: clinical testing. Allele origin: germline.
Comment: This sequence change replaces lysine with glutamine at codon 227 of the FBXO38 protein (p.Lys227Gln). The lysine residue is highly conserved and there is a small physicochemical difference between lysine and glutamine. This variant is not present in population databases (ExAC no frequency). This variant has not been reported in the literature in individuals with FBXO38-related conditions. Algorithms developed to predict the effect of missense changes on protein structure and function are either unavailable or do not agree on the potential impact of this missense change (SIFT: "Deleterious"; PolyPhen-2: "Possibly Damaging"; Align-GVGD: "Class C0"). In summary, the available evidence is currently insufficient to determine the role of this variant in disease. Therefore, it has been classified as a Variant of Uncertain Significance.